The following is an entry in ClinVar:

ClinVar aggregate classification (germline): Uncertain significance (1 of 4 stars; one submission).

Conditions:
Primary ciliary dyskinesia. Also called: Ciliary dyskinesia. Identifiers: Orphanet 244, MedGen C0008780, MONDO:0016575, HP:0012265.

Allele frequency attached by ClinVar (database versions not stated): TOPMed 0.00001.
gnomAD v4.1: 1 of 1,604,130 alleles (0.000062%); no homozygotes.

Submission:

Labcorp Genetics (formerly Invitae), Labcorp
Classification: Uncertain significance for Primary ciliary dyskinesia. Last evaluated: 2018-10-24. Review status: criteria provided, single submitter. Criteria: Invitae Variant Classification Sherloc (09022015). Collection method: clinical testing. Allele origin: germline.
Comment: This sequence change replaces alanine with threonine at codon 107 of the DNAH11 protein (p.Ala107Thr). The alanine residue is moderately conserved and there is a small physicochemical difference between alanine and threonine. This variant is not present in population databases (ExAC no frequency). This variant has not been reported in the literature in individuals with DNAH11-related disease. Algorithms developed to predict the effect of missense changes on protein structure and function output the following: SIFT: "Tolerated"; PolyPhen-2: "Benign"; Align-GVGD: "Class C0". The threonine amino acid residue is found in multiple mammalian species, suggesting that this missense change does not adversely affect protein function. These predictions have not been confirmed by published functional studies and their clinical significance is uncertain. In summary, the available evidence is currently insufficient to determine the role of this variant in disease. Therefore, it has been classified as a Variant of Uncertain Significance.

NM_001277115.2(DNAH11):c.319G>A (p.Ala107Thr)

Gene: DNAH11 (dynein axonemal heavy chain 11; plus strand). Cytogenetic location: 7p15.3.
Variant type: single nucleotide variant.
Coding change: c.319G>A on transcript NM_001277115.2 (MANE Select); coding-DNA position 319, G replaced by A.
Protein change: p.Ala107Thr; replaces alanine 107 with threonine.
Molecular consequence: missense variant.
Genome position (GRCh38, 1-based): chr7:21,543,564, G>A. VCF-style: chr7-21543564-G-A. GRCh37 (hg19) VCF-style: chr7-21583182-G-A.
Other names: short protein forms A107T.
Identifiers: ClinVar variation 660491 (VCV000660491.1), dbSNP rs1161522667, ClinGen allele CA366931615.